The following is an entry in ClinVar:

NM_004586.3(RPS6KA3):c.1334A>G (p.Asn445Ser)

Gene: RPS6KA3 (ribosomal protein S6 kinase A3; minus strand). Cytogenetic location: Xp22.12.
Variant type: single nucleotide variant.
Coding change: c.1334A>G on transcript NM_004586.3 (MANE Select); coding-DNA position 1334, A replaced by G.
Protein change: p.Asn445Ser; replaces asparagine 445 with serine.
Molecular consequence: missense variant.
Genome position (GRCh38, 1-based): chrX:20,172,765, T>C on the plus strand (A>G on the coding strand, the complement: RPS6KA3 is on the minus strand). VCF-style: chrX-20172765-T-C. GRCh37 (hg19) VCF-style: chrX-20190883-T-C.
Other names: short protein forms N445S.
Identifiers: ClinVar variation 436560 (VCV000436560.8), dbSNP rs1555931252, ClinGen allele CA412516069.

ClinVar aggregate classification (germline): Uncertain significance. Review status: criteria provided, multiple submitters, no conflicts (2 of 4 stars). 3 submissions from 3 submitters: Uncertain significance (3). Last evaluated 2025-10-20.

Conditions:
RPS6KA3-related disorder. Also called: RPS6KA3-related condition.
Inborn genetic diseases. Identifiers: MedGen C0950123, MeSH D030342.

Allele frequency attached by ClinVar (database versions not stated): gnomAD exomes below 0.00001; TOPMed below 0.00001.
gnomAD v4.1: 6 of 1,202,739 alleles (0.0005%); highest among the groups gnomAD compares: Non-Finnish European, 0.00056%; no homozygotes.

Submissions (3):

PreventionGenetics, part of Exact Sciences
Classification: Uncertain significance for RPS6KA3-related condition. Last evaluated: 2025-10-20. Review status: criteria provided, single submitter. Criteria: ACMG Guidelines, 2015. Collection method: clinical testing. Allele origin: germline.
Comment: The RPS6KA3 c.1334A>G variant is predicted to result in the amino acid substitution p.Asn445Ser. To our knowledge, this variant has not been reported in the literature or in a large population database, indicating this variant is rare. At this time, the clinical significance of this variant is uncertain due to the absence of conclusive functional and genetic evidence.

Ambry Genetics
Classification: Uncertain significance for Inborn genetic diseases. Last evaluated: 2024-10-11. Review status: criteria provided, single submitter. Criteria: Ambry Variant Classification Scheme 2023. Collection method: clinical testing. Allele origin: germline.

Genetic Services Laboratory, University of Chicago
Classification: Uncertain significance. Last evaluated: 2016-03-23. Review status: criteria provided, single submitter. Criteria: ACMG Guidelines, 2015. Collection method: clinical testing. Allele origin: germline. Affected: no.